The following is an entry in ClinVar:

ClinVar aggregate classification (germline): Uncertain significance. Review status: criteria provided, multiple submitters, no conflicts (2 of 4 stars). 3 submissions from 3 submitters: Uncertain significance (3). Last evaluated 2024-10-22.

Conditions:
Inborn genetic diseases. Identifiers: MedGen C0950123, MeSH D030342.

Allele frequency attached by ClinVar (database versions not stated): TOPMed below 0.00001; ExAC 0.00001; gnomAD exomes 0.00001 and 0.00002; gnomAD 0.00002; ESP Exome Variant Server 0.00008.
gnomAD v4.1: 13 of 1,614,054 alleles (0.00081%); highest among the groups gnomAD compares: African/African-American, 0.0013%; no homozygotes.

Submissions (3):

GeneDx
Classification: Uncertain significance. Last evaluated: 2024-10-22. Review status: criteria provided, single submitter. Criteria: GeneDx Variant Classification Process June 2021. Collection method: clinical testing. Allele origin: germline. Affected: yes.
Comment: Not observed at significant frequency in large population cohorts (gnomAD); In silico analysis indicates that this missense variant does not alter protein structure/function; Has not been previously published as pathogenic or benign to our knowledge

Ambry Genetics
Classification: Uncertain significance for Inborn genetic diseases. Last evaluated: 2024-10-20. Review status: criteria provided, single submitter. Criteria: Ambry Variant Classification Scheme 2023. Collection method: clinical testing. Allele origin: germline.

Labcorp Genetics (formerly Invitae), Labcorp
Classification: Uncertain significance. Last evaluated: 2022-08-19. Review status: criteria provided, single submitter. Criteria: Invitae Variant Classification Sherloc (09022015). Collection method: clinical testing. Allele origin: germline.
Comment: This sequence change replaces leucine, which is neutral and non-polar, with valine, which is neutral and non-polar, at codon 38 of the MME protein (p.Leu38Val). This variant is present in population databases (rs142671126, gnomAD 0.004%). This variant has not been reported in the literature in individuals affected with MME-related conditions. ClinVar contains an entry for this variant (Variation ID: 1386643). Algorithms developed to predict the effect of missense changes on protein structure and function are either unavailable or do not agree on the potential impact of this missense change (SIFT: "Tolerated"; PolyPhen-2: "Probably Damaging"; Align-GVGD: "Class C0"). In summary, the available evidence is currently insufficient to determine the role of this variant in disease. Therefore, it has been classified as a Variant of Uncertain Significance.

NM_007289.4(MME):c.112C>G (p.Leu38Val)

Gene: MME (membrane metalloendopeptidase; plus strand). Cytogenetic location: 3q25.2.
Variant type: single nucleotide variant.
Coding change: c.112C>G on transcript NM_007289.4 (MANE Select); coding-DNA position 112, C replaced by G.
Protein change: p.Leu38Val; replaces leucine 38 with valine.
Molecular consequence: missense variant.
Genome position (GRCh38, 1-based): chr3:155,084,279, C>G. VCF-style: chr3-155084279-C-G. GRCh37 (hg19) VCF-style: chr3-154802068-C-G.
Other names: c.112C>G, p.Leu38Val (NM_000902.5, NM_001354642.2, NM_001354643.1 and 3 more transcripts); c.112C>G (NM_007289.2); short protein forms L38V.
Identifiers: ClinVar variation 1386643 (VCV001386643.7), dbSNP rs142671126, ClinGen allele CA2675010.